The following is an entry in ClinVar:

NM_001003841.3(SLC6A19):c.810del (p.Asp270fs)

Gene: SLC6A19 (solute carrier family 6 member 19; plus strand). Cytogenetic location: 5p15.33.
Variant type: Deletion.
Coding change: c.810del on transcript NM_001003841.3 (MANE Select); coding-DNA position 810, one base deleted (C; older notation c.810delC).
Protein change: p.Asp270fs; shifts the reading frame from aspartic acid 270.
Molecular consequence: frameshift variant.
Genome position (GRCh38, 1-based): chr5:1,213,988, C deleted. VCF-style (leftmost placement, unchanged base first): chr5-1213987-AC-A. GRCh37 (hg19) VCF-style: chr5-1214102-AC-A.
Other names: short protein forms D270fs.
Identifiers: ClinVar variation 4724115 (VCV004724115.1).

ClinVar aggregate classification (germline): Pathogenic (1 of 4 stars; one submission).

Submission:

Labcorp Genetics (formerly Invitae), Labcorp
Classification: Pathogenic. Last evaluated: 2025-09-03. Review status: criteria provided, single submitter. Criteria: Invitae Variant Classification Sherloc (09022015). Collection method: clinical testing. Allele origin: germline.
Comment: This sequence change creates a premature translational stop signal (p.Asp270Glufs*35) in the SLC6A19 gene. It is expected to result in an absent or disrupted protein product. Loss-of-function variants in SLC6A19 are known to be pathogenic (PMID: 15286787, 15286788). This variant is not present in population databases (gnomAD no frequency). This variant has not been reported in the literature in individuals affected with SLC6A19-related conditions. For these reasons, this variant has been classified as Pathogenic.

Literature cited by the submitters: PubMed 15286787; PubMed 15286788.